The following is an entry in ClinVar:

ClinVar aggregate classification (germline): Uncertain significance. Review status: criteria provided, multiple submitters, no conflicts (2 of 4 stars). 3 submissions from 3 submitters: Uncertain significance (3). Last evaluated 2026-06-01.

Conditions:
Inborn genetic diseases. Identifiers: MedGen C0950123, MeSH D030342.

Allele frequency attached by ClinVar (database versions not stated): gnomAD exomes 0.00008; ESP Exome Variant Server 0.00011; gnomAD 0.00013; TOPMed 0.00020; ExAC 0.00030.
gnomAD v4.1: 149 of 1,430,542 alleles (0.01%); highest among the groups gnomAD compares: Middle Eastern, 0.13%; 1 homozygote.

Submissions (3):

CeGaT Center for Human Genetics Tuebingen
Classification: Uncertain significance. Last evaluated: 2026-06-01. Review status: criteria provided, single submitter. Criteria: CeGaT Center For Human Genetics Tuebingen Variant Classification Criteria Version 2. Collection method: clinical testing. Allele origin: germline. Affected: yes. Observed: 2 variant alleles.

Labcorp Genetics (formerly Invitae), Labcorp
Classification: Uncertain significance. Last evaluated: 2025-11-15. Review status: criteria provided, single submitter. Criteria: Invitae Variant Classification Sherloc (09022015). Collection method: clinical testing. Allele origin: germline.
Comment: This sequence change replaces glutamic acid, which is acidic and polar, with glycine, which is neutral and non-polar, at codon 857 of the SCARF2 protein (p.Glu857Gly). This variant is present in population databases (rs371459064, gnomAD 0.02%). This variant has not been reported in the literature in individuals affected with SCARF2-related conditions. ClinVar contains an entry for this variant (Variation ID: 2652895). An algorithm developed to predict the effect of missense changes on protein structure and function (PolyPhen-2) suggests that this variant is likely to be disruptive. In summary, the available evidence is currently insufficient to determine the role of this variant in disease. Therefore, it has been classified as a Variant of Uncertain Significance.

Ambry Genetics
Classification: Uncertain significance for Inborn genetic diseases. Last evaluated: 2024-03-31. Review status: criteria provided, single submitter. Criteria: Ambry Variant Classification Scheme 2023. Collection method: clinical testing. Allele origin: germline.

NM_182895.5(SCARF2):c.2558A>G (p.Glu853Gly)

Gene: SCARF2 (scavenger receptor class F member 2; minus strand). Cytogenetic location: 22q11.21.
Variant type: single nucleotide variant.
Coding change: c.2558A>G on transcript NM_182895.5 (MANE Select); coding-DNA position 2558, A replaced by G.
Protein change: p.Glu853Gly; replaces glutamic acid 853 with glycine.
Molecular consequence: missense variant.
Genome position (GRCh38, 1-based): chr22:20,425,418, T>C on the plus strand (A>G on the coding strand, the complement: SCARF2 is on the minus strand). VCF-style: chr22-20425418-T-C. GRCh37 (hg19) VCF-style: chr22-20779708-T-C.
Other names: c.2573A>G, p.Glu858Gly (NM_153334.7); c.2570A>G (NM_153334.4); short protein forms E853G, E858G.
Identifiers: ClinVar variation 2652895 (VCV002652895.26), dbSNP rs371459064, ClinGen allele CA10112140.